The following is an entry in ClinVar:

NM_000264.5(PTCH1):c.2987C>A (p.Thr996Asn)

Gene: PTCH1 (patched 1; minus strand). Cytogenetic location: 9q22.32.
Variant type: single nucleotide variant.
Coding change: c.2987C>A on transcript NM_000264.5 (MANE Select); coding-DNA position 2987, C replaced by A.
Protein change: p.Thr996Asn; replaces threonine 996 with asparagine.
Molecular consequence: missense variant. On other transcripts: non-coding transcript variant (1).
Genome position (GRCh38, 1-based): chr9:95,458,194, G>T on the plus strand (C>A on the coding strand, the complement: PTCH1 is on the minus strand). VCF-style: chr9-95458194-G-T. GRCh37 (hg19) VCF-style: chr9-98220476-G-T.
Other names: c.2789C>A, p.Thr930Asn (NM_001083602.3); c.2984C>A, p.Thr995Asn (NM_001083603.3); c.2534C>A, p.Thr845Asn (NM_001083604.3, NM_001083605.3, NM_001083606.3 and 1 more transcripts); c.2831C>A, p.Thr944Asn (NM_001354918.2); short protein forms T930N, T944N, T996N, T995N, T845N.
Identifiers: ClinVar variation 3635841 (VCV003635841.2).

ClinVar aggregate classification (germline): Uncertain significance (1 of 4 stars; one submission).

Conditions:
Gorlin syndrome. Also called: Nevoid Basal Cell Carcinoma Syndrome; Basal cell nevus syndrome. Identifiers: Orphanet 377, MedGen C0004779, MONDO:0007187.

gnomAD v4.1: 5 of 1,614,148 alleles (0.00031%); highest among the groups gnomAD compares: Non-Finnish European, 0.00034%; no homozygotes.

Submission:

Labcorp Genetics (formerly Invitae), Labcorp
Classification: Uncertain significance for Gorlin syndrome. Last evaluated: 2024-11-12. Review status: criteria provided, single submitter. Criteria: Invitae Variant Classification Sherloc (09022015). Collection method: clinical testing. Allele origin: germline.
Comment: This sequence change replaces threonine, which is neutral and polar, with asparagine, which is neutral and polar, at codon 996 of the PTCH1 protein (p.Thr996Asn). This variant is not present in population databases (gnomAD no frequency). This variant has not been reported in the literature in individuals affected with PTCH1-related conditions. Invitae Evidence Modeling of protein sequence and biophysical properties (such as structural, functional, and spatial information, amino acid conservation, physicochemical variation, residue mobility, and thermodynamic stability) indicates that this missense variant is not expected to disrupt PTCH1 protein function with a negative predictive value of 95%. In summary, the available evidence is currently insufficient to determine the role of this variant in disease. Therefore, it has been classified as a Variant of Uncertain Significance.